The following is an entry in ClinVar:

ClinVar aggregate classification (germline): Uncertain significance (1 of 4 stars; one submission).

Submission:

Women's Health and Genetics/Laboratory Corporation of America, LabCorp
Classification: Uncertain significance. Last evaluated: 2025-04-04. Review status: criteria provided, single submitter. Criteria: LabCorp Variant Classification Summary - May 2015. Collection method: clinical testing. Allele origin: germline.
Comment: Variant summary: COL4A3 c.2809G>A (p.Gly937Arg) results in a non-conservative amino acid change in the encoded protein sequence. Five of five in-silico tools predict a damaging effect of the variant on protein function. The variant was absent in 249424 control chromosomes. The available data on variant occurrences in the general population are insufficient to allow any conclusion about variant significance. To our knowledge, no occurrence of c.2809G>A in individuals affected with Alport Syndrome, Autosomal Recessive and no experimental evidence demonstrating its impact on protein function have been reported. No submitters have cited clinical-significance assessments for this variant to ClinVar. Based on the evidence outlined above, the variant was classified as uncertain significance.

NM_000091.5(COL4A3):c.2809G>A (p.Gly937Arg)

Genes: COL4A3 (collagen type IV alpha 3 chain; plus strand), MFF-DT (MFF divergent transcript; minus strand). Cytogenetic location: 2q36.3.
Variant type: single nucleotide variant.
Coding change: c.2809G>A on transcript NM_000091.5 (MANE Select); coding-DNA position 2809, G replaced by A.
Protein change: p.Gly937Arg; replaces glycine 937 with arginine.
Molecular consequence: missense variant.
Genome position (GRCh38, 1-based): chr2:227,284,273, G>A. VCF-style: chr2-227284273-G-A. GRCh37 (hg19) VCF-style: chr2-228148989-G-A.
Other names: short protein forms G937R.
Identifiers: ClinVar variation 3896476 (VCV003896476.2).